The following is an entry in ClinVar:

NM_198525.3(KIF7):c.181C>G (p.Leu61Val)

Gene: KIF7 (kinesin family member 7; minus strand). Cytogenetic location: 15q26.1.
Variant type: single nucleotide variant.
Coding change: c.181C>G on transcript NM_198525.3 (MANE Select); coding-DNA position 181, C replaced by G.
Protein change: p.Leu61Val; replaces leucine 61 with valine.
Molecular consequence: missense variant.
Genome position (GRCh38, 1-based): chr15:89,652,750, G>C on the plus strand (C>G on the coding strand, the complement: KIF7 is on the minus strand). VCF-style: chr15-89652750-G-C. GRCh37 (hg19) VCF-style: chr15-90195981-G-C.
Other names: short protein forms L61V.
Identifiers: ClinVar variation 1405503 (VCV001405503.6), dbSNP rs1285971751, ClinGen allele CA393780194.

ClinVar aggregate classification (germline): Uncertain significance (1 of 4 stars; one submission).

Conditions:
Acrocallosal syndrome (ACLS). Also called: Schinzel syndrome 1; Absence of corpus callosum with unusual facial appearance, mental deficiency, duplication of the halluces and polydactyly; HALLUX DUPLICATION, POSTAXIAL POLYDACTYLY, AND ABSENCE OF CORPUS CALLOSUM. Identifiers: Orphanet 36, MedGen C0796147, MONDO:0008708, OMIM 200990.

Allele frequency attached by ClinVar (database versions not stated): gnomAD 0.00001.
gnomAD v4.1: 3 of 1,551,566 alleles (0.00019%); highest among the groups gnomAD compares: African/African-American, 0.0041%; no homozygotes.

Submission:

Labcorp Genetics (formerly Invitae), Labcorp
Classification: Uncertain significance for Acrocallosal syndrome. Last evaluated: 2022-03-02. Review status: criteria provided, single submitter. Criteria: Invitae Variant Classification Sherloc (09022015). Collection method: clinical testing. Allele origin: germline.
Comment: In summary, the available evidence is currently insufficient to determine the role of this variant in disease. Therefore, it has been classified as a Variant of Uncertain Significance. Algorithms developed to predict the effect of missense changes on protein structure and function are either unavailable or do not agree on the potential impact of this missense change (SIFT: "Deleterious"; PolyPhen-2: "Possibly Damaging"; Align-GVGD: "Class C0"). This variant has not been reported in the literature in individuals affected with KIF7-related conditions. This variant is present in population databases (no rsID available, gnomAD 0.01%). This sequence change replaces leucine, which is neutral and non-polar, with valine, which is neutral and non-polar, at codon 61 of the KIF7 protein (p.Leu61Val).